The following is an entry in ClinVar:

NM_024642.5(GALNT12):c.1318G>A (p.Glu440Lys)

Gene: GALNT12 (polypeptide N-acetylgalactosaminyltransferase 12; plus strand). Cytogenetic location: 9q22.33.
Variant type: single nucleotide variant.
Coding change: c.1318G>A on transcript NM_024642.5 (MANE Select); coding-DNA position 1318, G replaced by A.
Protein change: p.Glu440Lys; replaces glutamic acid 440 with lysine.
Molecular consequence: missense variant.
Genome position (GRCh38, 1-based): chr9:98,840,107, G>A. VCF-style: chr9-98840107-G-A. GRCh37 (hg19) VCF-style: chr9-101602389-G-A.
Other names: short protein forms E440K.
Identifiers: ClinVar variation 5022160 (VCV005022160.1).

ClinVar aggregate classification (germline): Uncertain significance (1 of 4 stars; one submission).

Submission:

Ambry Genetics
Classification: Uncertain significance. Last evaluated: 2026-09-11. Review status: criteria provided, single submitter. Criteria: Ambry Variant Classification Scheme 2023. Collection method: clinical testing. Allele origin: germline.
Comment: The p.E440K variant (also known as c.1318G>A), located in coding exon 7 of the GALNT12 gene, results from a G to A substitution at nucleotide position 1318. The glutamic acid at codon 440 is replaced by lysine, an amino acid with similar properties. This amino acid position is conserved. In addition, the in silico prediction for this alteration is inconclusive. Based on the available evidence, the clinical significance of this variant remains unclear.